The following is an entry in ClinVar:

ClinVar aggregate classification (germline): Uncertain significance (1 of 4 stars; one submission).

Conditions:
Hereditary cancer-predisposing syndrome. Also called: Hereditary Cancer Syndrome; Neoplastic Syndromes, Hereditary; Tumor predisposition; Hereditary neoplastic syndrome. Identifiers: Orphanet 140162, MedGen C0027672, MeSH D009386, MONDO:0015356.

Submission:

Ambry Genetics
Classification: Uncertain significance for Hereditary cancer-predisposing syndrome. Last evaluated: 2026-08-22. Review status: criteria provided, single submitter. Criteria: Ambry Variant Classification Scheme 2023. Collection method: clinical testing. Allele origin: germline.
Comment: The p.Q356P variant (also known as c.1067A>C), located in coding exon 4 of the ALK gene, results from an A to C substitution at nucleotide position 1067. The glutamine at codon 356 is replaced by proline, an amino acid with similar properties. This amino acid position is conserved. In addition, the in silico prediction for this alteration is inconclusive. Based on the available evidence, the clinical significance of this variant remains unclear.

NM_004304.5(ALK):c.1067A>C (p.Gln356Pro)

Gene: ALK (ALK receptor tyrosine kinase; minus strand). Cytogenetic location: 2p23.2.
Variant type: single nucleotide variant.
Coding change: c.1067A>C on transcript NM_004304.5 (MANE Select); coding-DNA position 1067, A replaced by C.
Protein change: p.Gln356Pro; replaces glutamine 356 with proline.
Molecular consequence: missense variant.
Genome position (GRCh38, 1-based): chr2:29,532,002, T>G on the plus strand (A>C on the coding strand, the complement: ALK is on the minus strand). VCF-style: chr2-29532002-T-G. GRCh37 (hg19) VCF-style: chr2-29754868-T-G.
Other names: short protein forms Q356P.
Identifiers: ClinVar variation 5035595 (VCV005035595.1).
Genomic context (GRCh38, chr2:29,532,002, plus strand): 5'-AGGATCTCTCTTGCAGCCTCGTTGTGGGGCAGCAGCTGGGCAATGTACCTTCCAGAGGGC[T>G]GCAGGTGCCTGTGCACCGAGACGGCCAGTGTGCAGTGCTCACTGCTGCTCCTCATCCACG-3'
Protein context (NP_004295.2, residues 346-366): TLAVSVHRHL[Gln356Pro]PSGRYIAQLL